The following is an entry in ClinVar:

ClinVar aggregate classification (germline): Uncertain significance (1 of 4 stars; one submission).

Submission:

Ambry Genetics
Classification: Uncertain significance. Last evaluated: 2025-07-22. Review status: criteria provided, single submitter. Criteria: Ambry Variant Classification Scheme 2023. Collection method: clinical testing. Allele origin: germline.
Comment: The p.I810T variant (also known as c.2429T>C), located in coding exon 11 of the WNK2 gene, results from a T to C substitution at nucleotide position 2429. The isoleucine at codon 810 is replaced by threonine, an amino acid with similar properties. This amino acid position is conserved. In addition, this alteration is predicted to be tolerated by in silico analysis. Based on the available evidence, the clinical significance of this variant remains unclear.

NM_006648.4(WNK2):c.2429T>C (p.Ile810Thr)

Gene: WNK2 (WNK lysine deficient protein kinase 2; plus strand). Cytogenetic location: 9q22.31.
Variant type: single nucleotide variant.
Coding change: c.2429T>C on transcript NM_006648.4 (MANE Select); coding-DNA position 2429, T replaced by C.
Protein change: p.Ile810Thr; replaces isoleucine 810 with threonine.
Molecular consequence: missense variant.
Genome position (GRCh38, 1-based): chr9:93,258,977, T>C. VCF-style: chr9-93258977-T-C. GRCh37 (hg19) VCF-style: chr9-96021259-T-C.
Other names: c.2429T>C, p.Ile810Thr (NM_001282394.3); short protein forms I810T.
Identifiers: ClinVar variation 4201650 (VCV004201650.1).